The following is an entry in ClinVar:

NM_000540.3(RYR1):c.608C>G (p.Pro203Arg)

Gene: RYR1 (ryanodine receptor 1; plus strand). Cytogenetic location: 19q13.2.
Variant type: single nucleotide variant.
Coding change: c.608C>G on transcript NM_000540.3 (MANE Select); coding-DNA position 608, C replaced by G.
Protein change: p.Pro203Arg; replaces proline 203 with arginine.
Molecular consequence: missense variant.
Genome position (GRCh38, 1-based): chr19:38,444,654, C>G. VCF-style: chr19-38444654-C-G. GRCh37 (hg19) VCF-style: chr19-38935294-C-G.
Other names: c.608C>G, p.Pro203Arg (NM_001042723.2); short protein forms P203R.
Identifiers: ClinVar variation 2187042 (VCV002187042.4), dbSNP rs2513977843, ClinGen allele CA405678470.

ClinVar aggregate classification (germline): Uncertain significance (1 of 4 stars; one submission).

Conditions:
RYR1-related disorder. Also called: RYR1-related condition; RYR1-related disorders. Identifiers: MedGen CN239331.

Allele frequency attached by ClinVar (database versions not stated): gnomAD exomes below 0.00001.
gnomAD v4.1: 5 of 1,613,884 alleles (0.00031%); highest among the groups gnomAD compares: Non-Finnish European, 0.00042%; no homozygotes.

Submission:

Labcorp Genetics (formerly Invitae), Labcorp
Classification: Uncertain significance for RYR1-related disorder. Last evaluated: 2022-02-18. Review status: criteria provided, single submitter. Criteria: Invitae Variant Classification Sherloc (09022015). Collection method: clinical testing. Allele origin: germline.
Comment: This sequence change replaces proline, which is neutral and non-polar, with arginine, which is basic and polar, at codon 203 of the RYR1 protein (p.Pro203Arg). This variant is not present in population databases (gnomAD no frequency). In summary, the available evidence is currently insufficient to determine the role of this variant in disease. Therefore, it has been classified as a Variant of Uncertain Significance. Advanced modeling of protein sequence and biophysical properties (such as structural, functional, and spatial information, amino acid conservation, physicochemical variation, residue mobility, and thermodynamic stability) performed at Invitae indicates that this missense variant is expected to disrupt RYR1 protein function. This variant has not been reported in the literature in individuals affected with RYR1-related conditions.